The following is an entry in ClinVar:

ClinVar aggregate classification (germline): Uncertain significance (1 of 4 stars; one submission).

Conditions:
Mucopolysaccharidosis type 7 (MPS7). Also called: BETA-GLUCURONIDASE DEFICIENCY; SLY SYNDROME; GUSB DEFICIENCY; MPS VII. Identifiers: Orphanet 584, MedGen C0085132, MONDO:0009662, OMIM 253220.

Allele frequency attached by ClinVar (database versions not stated): gnomAD exomes below 0.00001; ExAC 0.00001.
gnomAD v4.1: 1 of 1,613,224 alleles (0.000062%); highest among the groups gnomAD compares: East Asian, 0.0022%; no homozygotes.

Submission:

Labcorp Genetics (formerly Invitae), Labcorp
Classification: Uncertain significance for Mucopolysaccharidosis type 7. Last evaluated: 2021-11-04. Review status: criteria provided, single submitter. Criteria: Invitae Variant Classification Sherloc (09022015). Collection method: clinical testing. Allele origin: germline.
Comment: This sequence change replaces glutamic acid, which is acidic and polar, with aspartic acid, which is acidic and polar, at codon 150 of the GUSB protein (p.Glu150Asp). This variant is present in population databases (rs764486500, gnomAD 0.006%). This variant has not been reported in the literature in individuals affected with GUSB-related conditions. ClinVar contains an entry for this variant (Variation ID: 1043099). Algorithms developed to predict the effect of missense changes on protein structure and function are either unavailable or do not agree on the potential impact of this missense change (SIFT: "Deleterious"; PolyPhen-2: "Probably Damaging"; Align-GVGD: "Class C0"). In summary, the available evidence is currently insufficient to determine the role of this variant in disease. Therefore, it has been classified as a Variant of Uncertain Significance.

NM_000181.4(GUSB):c.450G>C (p.Glu150Asp)

Gene: GUSB (glucuronidase beta; minus strand). Cytogenetic location: 7q11.21.
Variant type: single nucleotide variant.
Coding change: c.450G>C on transcript NM_000181.4 (MANE Select); coding-DNA position 450, G replaced by C.
Protein change: p.Glu150Asp; replaces glutamic acid 150 with aspartic acid.
Molecular consequence: missense variant. On other transcripts: non-coding transcript variant (1), intron variant (2).
Genome position (GRCh38, 1-based): chr7:65,979,858, C>G on the plus strand (G>C on the coding strand, the complement: GUSB is on the minus strand). VCF-style: chr7-65979858-C-G. GRCh37 (hg19) VCF-style: chr7-65444845-C-G.
Other names: c.450G>C, p.Glu150Asp (NM_001284290.2); c.67+366G>C (NM_001293105.2); c.12-317G>C (NM_001293104.2); short protein forms E150D.
Identifiers: ClinVar variation 1043099 (VCV001043099.4), dbSNP rs764486500, ClinGen allele CA4276632.